The following is an entry in ClinVar:

NM_000492.4(CFTR):c.3213G>T (p.Gln1071His)

Genes: CFTR (CF transmembrane conductance regulator; plus strand), CFTR-AS2 (CFTR antisense RNA 2; minus strand), LOC111674472 (DNase I hypersensitive sites in introns 16 and 17a of CFTR; plus strand). Cytogenetic location: 7q31.2.
Variant type: single nucleotide variant.
Coding change: c.3213G>T on transcript NM_000492.4 (MANE Select); coding-DNA position 3213, G replaced by T.
Protein change: p.Gln1071His; replaces glutamine 1071 with histidine.
Molecular consequence: missense variant.
Genome position (GRCh38, 1-based): chr7:117,611,654, G>T. VCF-style: chr7-117611654-G-T. GRCh37 (hg19) VCF-style: chr7-117251708-G-T.
Other names: short protein forms Q1071H.
Identifiers: ClinVar variation 3768654 (VCV003768654.1).
Genomic context (GRCh38, chr7:117,611,654, plus strand): 5'-TTTCACTCATCTTGTTACAAGCTTAAAAGGACTATGGACACTTCGTGCCTTCGGACGGCA[G>T]CCTTACTTTGAAACTCTGTTCCACAAAGCTCTGAATTTACATACTGCCAACTGGTTCTTG-3'
Protein context (NP_000483.3, residues 1061-1081): GLWTLRAFGR[Gln1071His]PYFETLFHKA

ClinVar aggregate classification (germline): Uncertain significance (1 of 4 stars; one submission).

gnomAD v4.1: 1 of 1,613,550 alleles (0.000062%); highest among the groups gnomAD compares: Non-Finnish European, 0.000085%; no homozygotes.

Submission:

Women's Health and Genetics/Laboratory Corporation of America, LabCorp
Classification: Uncertain significance. Last evaluated: 2025-02-10. Review status: criteria provided, single submitter. Criteria: LabCorp Variant Classification Summary - May 2015. Collection method: clinical testing. Allele origin: germline.
Comment: Variant summary: CFTR c.3213G>T (p.Gln1071His) results in a non-conservative amino acid change located in the ABC transporter type 1, transmembrane domain (IPR011527) of the encoded protein sequence. Four of five in-silico tools predict a damaging effect of the variant on protein function. The variant was absent in 251022 control chromosomes. The available data on variant occurrences in the general population are insufficient to allow any conclusion about variant significance. To our knowledge, no occurrence of c.3213G>T in individuals affected with Cystic Fibrosis and no experimental evidence demonstrating its impact on protein function have been reported. No submitters have cited clinical-significance assessments for this variant to ClinVar. Based on the evidence outlined above, the variant was classified as uncertain significance.